The following is an entry in ClinVar:

ClinVar aggregate classification (germline): Uncertain significance. Review status: criteria provided, multiple submitters, no conflicts (2 of 4 stars). 2 submissions from 2 submitters: Uncertain significance (2). Last evaluated 2023-12-08.

Conditions:
ANK2-associated Complex Neurodevelopmental Disorder.
Cardiovascular phenotype. Identifiers: MedGen CN230736.

Allele frequency attached by ClinVar (database versions not stated): gnomAD exomes below 0.00001; TOPMed 0.00001.
gnomAD v4.1: 2 of 1,614,066 alleles (0.00012%); highest among the groups gnomAD compares: Admixed American, 0.0033%; no homozygotes.

Submissions (2):

Ambry Genetics
Classification: Uncertain significance for Cardiovascular phenotype. Last evaluated: 2023-12-08. Review status: criteria provided, single submitter. Criteria: Ambry Variant Classification Scheme 2023. Collection method: clinical testing. Allele origin: germline.
Comment: The p.Q2672H variant (also known as c.8016G>T), located in coding exon 38 of the ANK2 gene, results from a G to T substitution at nucleotide position 8016. The glutamine at codon 2672 is replaced by histidine, an amino acid with highly similar properties. This amino acid position is conserved. In addition, this alteration is predicted to be tolerated by in silico analysis. Since supporting evidence is limited at this time, the clinical significance of this alteration remains unclear.

New York Genome Center
Classification: Uncertain significance for ANK2-associated Complex Neurodevelopmental Disorder. Last evaluated: 2021-07-16. Review status: criteria provided, single submitter. Criteria: NYGC Assertion Criteria 2020. Collection method: clinical testing. Allele origin: germline. Observed: 1 variant allele. Study: CSER-NYCKidSeq.
Comment: The c.8016G>T (p.Gln2672His) variant identified in the ANK2 gene substitutes a moderately conserved Glutamine for Histidine at amino acid 2672/3958 (exon 38/46) in the canonical transcript NM_001148.6. ANK2 is alternatively spliced, and this variant is within a different amino acid or intronic in other non-canonical transcripts. This variant is absent from gnomAD(v3.1.1) suggesting it is not a common benign variant in the populations represented in that database. In silico algorithms predict this variant to be Damaging (SIFT; score:0.002) and Benign (REVEL; score:0.1449) to the function of the canonical transcript. This variant is absent from ClinVar, however a different amino acid change at the same amino acid (c.8015A>C; p.Gln2672Pro) is reported as a Variant of Uncertain Significance(VarID:452240). To our current knowledge this variant has not been reported in affected individuals in the literature. The p.Gln2672 residue is not within a mapped domain of ANK2 (UniProtKB:Q01484). Given the lack of compelling evidence for its pathogenicity, the c.8016G>T (p.Gln2672His) variant identified in the ANK2 gene is reported as a Variant of Uncertain Significance.

NM_001148.6(ANK2):c.8016G>T (p.Gln2672His)

Gene: ANK2 (ankyrin 2; plus strand). Cytogenetic location: 4q26.
Variant type: single nucleotide variant.
Coding change: c.8016G>T on transcript NM_001148.6 (MANE Select); coding-DNA position 8016, G replaced by T.
Protein change: p.Gln2672His; replaces glutamine 2672 with histidine.
Molecular consequence: missense variant. On other transcripts: intron variant (68).
Genome position (GRCh38, 1-based): chr4:113,356,634, G>T. VCF-style: chr4-113356634-G-T. GRCh37 (hg19) VCF-style: chr4-114277790-G-T.
Other names: c.4406-4189G>T (NM_001354230.2); c.4397-4189G>T (NM_001354252.2, NM_001354239.2); c.4298-4189G>T (NM_001354272.2); c.4469-4189G>T (NM_001354231.2, NM_001354242.2); c.4472-4189G>T (NM_001386144.1, NM_001354240.2, NM_001354241.2); c.4361-4189G>T (NM_001354244.2, NM_001354256.2, NM_001386161.1); c.1991-4189G>T (NM_001354279.2, NM_001354282.2); c.4400-4189G>T (NM_001127493.3); and 36 more; short protein forms Q1472H, Q2594H, Q2672H, Q2711H, Q2719H.
Identifiers: ClinVar variation 1696550 (VCV001696550.2), dbSNP rs1235099082, ClinGen allele CA357932862.